The following is an entry in ClinVar:

NM_000321.3(RB1):c.2774A>G (p.Lys925Arg)

Gene: RB1 (RB transcriptional corepressor 1; plus strand). Cytogenetic location: 13q14.2.
Variant type: single nucleotide variant.
Coding change: c.2774A>G on transcript NM_000321.3 (MANE Select); coding-DNA position 2774, A replaced by G.
Protein change: p.Lys925Arg; replaces lysine 925 with arginine.
Molecular consequence: missense variant.
Genome position (GRCh38, 1-based): chr13:48,480,058, A>G. VCF-style: chr13-48480058-A-G. GRCh37 (hg19) VCF-style: chr13-49054194-A-G.
Other names: c.2774A>G (NM_000321.2); short protein forms K925R.
Identifiers: ClinVar variation 1345099 (VCV001345099.9), dbSNP rs750946437, ClinGen allele CA037427.

ClinVar aggregate classification (germline): Conflicting classifications of pathogenicity. Review status: criteria provided, conflicting classifications (1 of 4 stars). 4 submissions from 4 submitters: Uncertain significance (3); Likely benign (1). Last evaluated 2025-12-01.

Conditions:
Hereditary cancer-predisposing syndrome. Also called: Hereditary neoplastic syndrome; Tumor predisposition; Neoplastic Syndromes, Hereditary; Hereditary Cancer Syndrome. Identifiers: Orphanet 140162, MedGen C0027672, MeSH D009386, MONDO:0015356.
Retinoblastoma (RB1). Also called: RETINOBLASTOMA, SOMATIC. Identifiers: Orphanet 790, MedGen C0035335, MeSH D012175, MONDO:0008380, OMIM 180200, HP:0009919. Disease mechanism: loss of function. Inheritance: Both sporadic and heritable forms are tested..
Malignant tumor of urinary bladder. Also called: Urinary bladder cancer; Bladder cancer; Urinary Bladder Neoplasms. Identifiers: MedGen C0005684, MONDO:0001187, OMIM 109800.

Allele frequency attached by ClinVar (database versions not stated): TOPMed below 0.00001; gnomAD 0.00001; gnomAD exomes 0.00001; ExAC 0.00003.
gnomAD v4.1: 9 of 1,612,602 alleles (0.00056%); highest among the groups gnomAD compares: South Asian, 0.0022%; no homozygotes.

Submissions (4):

Labcorp Genetics (formerly Invitae), Labcorp
Classification: Uncertain significance for Retinoblastoma. Last evaluated: 2025-12-01. Review status: criteria provided, single submitter. Criteria: Invitae Variant Classification Sherloc (09022015). Collection method: clinical testing. Allele origin: germline.
Comment: This sequence change replaces lysine, which is basic and polar, with arginine, which is basic and polar, at codon 925 of the RB1 protein (p.Lys925Arg). This variant is present in population databases (rs750946437, gnomAD 0.003%). This variant has not been reported in the literature in individuals affected with RB1-related conditions. ClinVar contains an entry for this variant (Variation ID: 1345099). An algorithm developed to predict the effect of missense changes on protein structure and function outputs the following: PolyPhen-2: "Benign". The arginine amino acid residue is found in multiple mammalian species, which suggests that this missense change does not adversely affect protein function. Algorithms developed to predict the effect of sequence changes on RNA splicing suggest that this variant may disrupt the consensus splice site. In summary, the available evidence is currently insufficient to determine the role of this variant in disease. Therefore, it has been classified as a Variant of Uncertain Significance.

Baylor Genetics
Classification: Uncertain significance for Malignant tumor of urinary bladder. Last evaluated: 2024-03-15. Review status: criteria provided, single submitter. Criteria: ACMG Guidelines, 2015. Collection method: clinical testing. Allele origin: unknown.

GeneDx
Classification: Uncertain significance. Last evaluated: 2024-02-20. Review status: criteria provided, single submitter. Criteria: GeneDx Variant Classification Process June 2021. Collection method: clinical testing. Allele origin: germline. Affected: yes.
Comment: Not observed at significant frequency in large population cohorts (gnomAD); In silico analysis supports that this missense variant does not alter protein structure/function; Has not been previously published as pathogenic or benign to our knowledge

Ambry Genetics
Classification: Likely benign for Hereditary cancer-predisposing syndrome. Last evaluated: 2023-03-02. Review status: criteria provided, single submitter. Criteria: Ambry Variant Classification Scheme 2023. Collection method: clinical testing. Allele origin: germline.